The following is an entry in ClinVar:

NM_000552.5(VWF):c.4213AAG[3] (p.Lys1408del)

Gene: VWF (von Willebrand factor; minus strand). Cytogenetic location: 12p13.31.
Variant type: Microsatellite.
Coding change: c.4213AAG[3] on transcript NM_000552.5 (MANE Select); three copies in a row of the 3-base unit AAG starting at c.4213; the reference has four copies in a row; one copy, 3 bases deleted; also written c.4222_4224del.
Protein change: p.Lys1408del; deletes lysine 1408.
Molecular consequence: inframe deletion.
Genome position (GRCh38, 1-based): chr12:6,019,194-6,019,196, CTT deleted on the plus strand (AAG on the coding strand, the reverse complement: VWF is on the minus strand); deleting any 3 consecutive bases within chr12:6,019,194-6,019,206 gives the same sequence; the position shown is the placement nearest the transcript's 3' end. VCF-style (leftmost placement, unchanged base first): chr12-6019193-CCTT-C. GRCh37 (hg19) VCF-style: chr12-6128359-CCTT-C.
Other names: p.K1408del; NM_000552.5(VWF):c.4213AAG[3]; p.Lys1408del; c.4222_4224delAAG (NM_000552.4, NM_000552.5, NM_000552.3); c.4222_4224del (NM_000552.5, NM_000552.4); short protein forms K1408del.
Identifiers: ClinVar variation 100340 (VCV000100340.26), dbSNP rs61750078, ClinGen allele CA228561.

ClinVar aggregate classification (germline): Pathogenic. Review status: reviewed by expert panel (3 of 4 stars). 10 submissions from 10 submitters: Pathogenic (1). 9 of the submissions do not count toward it. Last evaluated 2025-10-07.

Conditions:
VWF-related disorder. Also called: VWF-related disorders; VWF-related condition.
von Willebrand disease type 2 (VWD2). Also called: VON WILLEBRAND DISEASE, TYPE 2A/IIE; VON WILLEBRAND DISEASE, TYPE 2CB; VON WILLEBRAND DISEASE, TYPE II; VWD, TYPE 2. Identifiers: Orphanet 166081, Orphanet 903, MedGen C1264040, MONDO:0013304, OMIM 613554.
Hereditary von Willebrand disease. Identifiers: Orphanet 903, MedGen C5703318, MONDO:0019565. Inheritance: Autosomal recessive or Autosomal dominant.
von Willebrand disease type 1 (VWD1). Also called: VON WILLEBRAND DISEASE, TYPE I; VWD, TYPE 1. Identifiers: Orphanet 166078, Orphanet 903, MedGen C1264039, MONDO:0008668, OMIM 193400. Inheritance: autosomal recessive or autosomal dominant.
von Willebrand disease type 2M (VWD2M). Identifiers: Orphanet 166090, MedGen C1282974, MONDO:0015630.

Submissions (10):

ClinGen von Willebrand Disease Variant Curation Expert Panel, ClinGen
Classification: Pathogenic for von Willebrand disease type 2M. Last evaluated: 2025-10-07. Review status: reviewed by expert panel. Criteria: ClinGen VWD 2A B M Rules. Collection method: curation. Allele origin: germline. Inheritance: Autosomal dominant inheritance.
Comment: NM_000552.5(VWF):c.4222_4224del (p.Lys1408del), in vWF is an in-frame deletion predicted to cause deletion of amino acid residue 1408, which is predicted to cause a change in the length of the protein in a non-repeat region meeting criteria for PM4. The variant is absent in gnomAD v4.1 meeting criteria for PM2_Supporting. At least 3 probands have displayed excessive mucocutaneous bleeding as well as laboratory phenotypes of a normal multimer pattern, low VWF:RCo/VWF:Ag ratio and decreased platelet/GP1b binding assay, which is highly specific for VWD type 2M (PP4_Moderate PMID: ; PS4_Moderate PMID: 28971901 & 10959688). The variant has been reported to segregate with VWD type 2M through at least 12 meioses across 3 different families (PP1_Strong; PMID: 28971901 & 10959688). Platelet/GP1b binding assay performed with the c.4222_4224del recombinant mutant vWF expressed by cos-7 cells showed decreased binding indicating that this variant has a damaging effect on protein function meeting criteria for PS3 (PMID:10959688). In summary, this variant meets the criteria to be classified as pathogenic for von Willebrand disease type 2M. ACMG/AMP criteria applied as specified by the ClinGen von Willebrand disease Variant Curation Expert Panel: PS3, PS4_Moderate, PM4, PP1_Strong, PP4_Moderate, PM2_Supporting.

North West Genomic Laboratory Hub, Manchester University NHS Foundation Trust
Classification: Pathogenic for von Willebrand disease. Last evaluated: 2026-03-16. Review status: criteria provided, single submitter. Criteria: ACGS Best Practice Guidelines for Variant Classification in Rare Disease 2024. Collection method: clinical testing. Allele origin: germline. Affected: yes. Not counted in ClinVar's aggregate classification.
Comment: PM2_Mod PM4_Supp PP1_Str PP4_Mod PS4_Mod PS3_Supp

Quest Diagnostics Nichols Institute San Juan Capistrano
Classification: Pathogenic. Last evaluated: 2025-05-07. Review status: criteria provided, single submitter. Criteria: Quest Diagnostics criteria. Collection method: clinical testing. Allele origin: unknown. Not counted in ClinVar's aggregate classification.
Comment: The VWF c.4222_4224del (p.Lys1408del) variant has been reported in the published literature in individuals with Von Willebrand disease type 1 (PMIDs: 17190853 (2007) and 26917779 (2016)), as well as in type 2M (PMIDs: 9490688 (1998), 10959688 (2000), 19506361 (2009), 26986123 (2016), 28971901 (2017), 34889419 (2021)). A functional study demonstrated that this variant is damaging to protein function (PMID: 10959688 (2000)). This variant has not been reported in large, multi-ethnic general populations (Genome Aggregation Database). Based on the available information, this variant is classified as pathogenic.

Women's Health and Genetics/Laboratory Corporation of America, LabCorp
Classification: Pathogenic for von Willebrand disorder. Last evaluated: 2022-06-10. Review status: criteria provided, single submitter. Criteria: LabCorp Variant Classification Summary - May 2015. Collection method: clinical testing. Allele origin: germline. Not counted in ClinVar's aggregate classification.
Comment: Variant summary: VWF c.4222_4224delAAG (p.Lys1408del) results in an in-frame deletion that is predicted to remove 1 amino acid from the von Willebrand factor, type A domain (IPR002035) of the encoded protein. The variant was absent in 251108 control chromosomes (gnomAD). c.4222_4224delAAG has been reported in the literature in multiple individuals/families affected with Von Willebrand Disease (e.g. Hilbert_2000, James_2007, Roberts_2016, Veyradier_2016, Borras_2017). These data indicate that the variant is very likely to be associated with disease. Experimental evidence evaluating an impact on protein function demonstrated the variant was deficient in both ristocetin and botrocetin-induced binding to platelets (Hilbert_2000). A ClinVar submitter (evaluation after 2014) cites the variant as uncertain significance, while another ClinVar submitter (evaluation after 2014) cites it as pathogenic. Based on the evidence outlined above, the variant was classified as pathogenic.

Laboratory of Hematology, Radboud University Medical Center
Classification: Pathogenic for von Willebrand disease type 2. Last evaluated: 2020-12-10. Review status: criteria provided, single submitter. Criteria: ACMG Guidelines, 2015. Collection method: research. Allele origin: germline. Affected: yes. Observed: 1 variant allele. Study: WIN study. Not counted in ClinVar's aggregate classification.

Versiti Diagnostic Laboratories, Versiti, Inc
Classification: Pathogenic for von Willebrand disease type 2M. Last evaluated: 2020-01-23. Review status: criteria provided, single submitter. Criteria: Versiti Assertion Criteria. Collection method: clinical testing. Allele origin: germline. Affected: yes. Observed: 9 variant alleles. Not counted in ClinVar's aggregate classification.
Comment: The in-frame deletion variant VWF c.4222_4224delAAG, p.Lys1408del (p.K1408del) in exon 28 results in the deletion of amino acid lysine at codon 1408. This amino acid deletion occurs in a four lysine residue repeat in the A1 domain (Hilbert, 2000), a functional domain that binds GP1ba and collagen (Springer, 2014). Pathogenic variants in VWF are associated with autosomal dominant or autosomal recessive von Willebrand disease (VWD), characterized by quantitative or qualitative deficiencies in von Willebrand factor and resulting in prolonged bleeding. This sequence variant has been previously identified as a de novo variant in a patient reported with type 1 VWD (James, 2007), in several patients with type 2M VWD (Hilbert, 2000; Borras 2017), and has been observed in several patients with type 2M VWD in our laboratory cohort. To date, this variant has not been reported in the general population (GnomAD). Functional studies of the variant in mammalian cells demonstrated decreased secretion and lack of platelet GPIb binding in the presence of ristocetin and botrocetin (Hilbert, 2000). In summary, the collective evidence supports VWF c.4222_4224delAAG, p.Lys1408del as a pathogenic variant with regards to autosomal dominant type 2M von Willebrand disease.

Arcensus
Classification: Likely pathogenic for von Willebrand disease type 1. Last evaluated: 2013-02-01. Review status: criteria provided, single submitter. Criteria: ACMG Guidelines, 2015. Collection method: clinical testing. Allele origin: germline. Affected: yes. Not counted in ClinVar's aggregate classification.

PreventionGenetics, part of Exact Sciences
Classification: Pathogenic for VWF-related condition. Last evaluated: 2024-06-26. Review status: no assertion criteria provided. Collection method: clinical testing. Allele origin: germline. Not counted in ClinVar's aggregate classification.
Comment: The VWF c.4222_4224delAAG variant is predicted to result in an in-frame deletion (p.Lys1408del). This variant has been reported in the heterozygous state in several individuals/families with von Willebrand disease type 2M (Borràs et al. 2017. PubMed ID: 28971901. Table S8; Reported as del AAG 4463-4465, Hilbert et al. 2000. PubMed ID: 10959688; Turan and Kadir. 2021. PubMed ID: 34889419). This variant has also been reported in the de novo state in an individual with von Willebrand disease type 1 (James et al. 2007. PubMed ID: 17190853). The functional study showed that this variant affected both ristocetin and botrocetin-induced binding to platelets (Reported as del AAG 4463-4465, Hilbert et al. 2000. PubMed ID: 10959688). This variant has conflicting classifications listed in ClinVar ranging from uncertain significance to pathogenic. This variant has not been reported in a large population database; however, the quality of this data is questionable and should be treated with caution. This variant is interpreted as pathogenic.

Angelo Bianchi Bonomi Hemophilia and Thrombosis Center, Fondazione IRCCS Ca Granda Ospedale Maggiore Policlinico
Classification: Uncertain significance for von Willebrand disease type 2. Last evaluated: 2022-04-26. Review status: no assertion criteria provided. Collection method: clinical testing. Allele origin: germline. Affected: yes. Not counted in ClinVar's aggregate classification.

Academic Unit of Haematology, University of Sheffield
No classification provided. Review status: no classification provided. Collection method: not provided. Allele origin: not provided. Not counted in ClinVar's aggregate classification.

Literature cited by the submitters: PubMed 28971901 (cited by 3 submitters); PubMed 26986123 (cited by Quest Diagnostics Nichols Institute San Juan Capistrano and Women's Health and Genetics/Laboratory Corporation of America, LabCorp); PubMed 26917779 (cited by Quest Diagnostics Nichols Institute San Juan Capistrano and Women's Health and Genetics/Laboratory Corporation of America, LabCorp); PubMed 24928861 (cited by Quest Diagnostics Nichols Institute San Juan Capistrano and Versiti Diagnostic Laboratories, Versiti, Inc); PubMed 19506361 (cited by Quest Diagnostics Nichols Institute San Juan Capistrano and Women's Health and Genetics/Laboratory Corporation of America, LabCorp); PubMed 17190853 (cited by 3 submitters); PubMed 10959688 (cited by 3 submitters); PubMed 9490688 (cited by Quest Diagnostics Nichols Institute San Juan Capistrano and Women's Health and Genetics/Laboratory Corporation of America, LabCorp); PubMed 34889419 (cited by Quest Diagnostics Nichols Institute San Juan Capistrano).